The following is an entry in ClinVar:

NM_145199.3(LIPT1):c.1051A>C (p.Thr351Pro)

Genes: LIPT1 (lipoyltransferase 1; plus strand), MITD1 (microtubule interacting and trafficking domain containing 1; minus strand). Cytogenetic location: 2q11.2.
Variant type: single nucleotide variant.
Coding change: c.1051A>C on transcript NM_145199.3 (MANE Select); coding-DNA position 1051, A replaced by C.
Protein change: p.Thr351Pro; replaces threonine 351 with proline.
Molecular consequence: missense variant. On other transcripts: non-coding transcript variant (2).
Genome position (GRCh38, 1-based): chr2:99,163,008, A>C. VCF-style: chr2-99163008-A-C. GRCh37 (hg19) VCF-style: chr2-99779471-A-C.
Other names: c.1051A>C, p.Thr351Pro (NM_001204830.2, NM_015929.4, NM_145197.3 and 1 more transcripts); short protein forms T351P.
Identifiers: ClinVar variation 1717104 (VCV001717104.5), dbSNP rs2468670552, ClinGen allele CA347855887.

ClinVar aggregate classification (germline): Uncertain significance (1 of 4 stars; one submission).

Submission:

Labcorp Genetics (formerly Invitae), Labcorp
Classification: Uncertain significance. Last evaluated: 2022-08-20. Review status: criteria provided, single submitter. Criteria: Invitae Variant Classification Sherloc (09022015). Collection method: clinical testing. Allele origin: germline.
Comment: Algorithms developed to predict the effect of missense changes on protein structure and function are either unavailable or do not agree on the potential impact of this missense change (SIFT: "Deleterious"; PolyPhen-2: "Benign"; Align-GVGD: "Class C0"). In summary, the available evidence is currently insufficient to determine the role of this variant in disease. Therefore, it has been classified as a Variant of Uncertain Significance. This variant has not been reported in the literature in individuals affected with LIPT1-related conditions. This variant is not present in population databases (gnomAD no frequency). This sequence change replaces threonine, which is neutral and polar, with proline, which is neutral and non-polar, at codon 351 of the LIPT1 protein (p.Thr351Pro).